The following is an entry in ClinVar:

ClinVar aggregate classification (germline): Uncertain significance (1 of 4 stars; one submission).

Conditions:
Hypertrophic cardiomyopathy 10. Also called: MYL2-Related Familial Hypertrophic Cardiomyopathy; CARDIOMYOPATHY, HYPERTROPHIC, MID-LEFT VENTRICULAR CHAMBER TYPE, 2. Identifiers: MedGen C1834460, MONDO:0012112, OMIM 608758.

Submission:

Labcorp Genetics (formerly Invitae), Labcorp
Classification: Uncertain significance for Familial hypertrophic cardiomyopathy 10. Last evaluated: 2019-03-08. Review status: criteria provided, single submitter. Criteria: Invitae Variant Classification Sherloc (09022015). Collection method: clinical testing. Allele origin: germline.
Comment: This sequence change replaces valine with methionine at codon 59 of the MYL2 protein (p.Val59Met). The valine residue is moderately conserved and there is a small physicochemical difference between valine and methionine. This variant is not present in population databases (ExAC no frequency). This variant has not been reported in the literature in individuals with MYL2-related conditions. Algorithms developed to predict the effect of missense changes on protein structure and function output the following: SIFT: "Deleterious"; PolyPhen-2: "Benign"; Align-GVGD: "Class C0". The methionine amino acid residue is found in multiple mammalian species, suggesting that this missense change does not adversely affect protein function. These predictions have not been confirmed by published functional studies and their clinical significance is uncertain. In summary, the available evidence is currently insufficient to determine the role of this variant in disease. Therefore, it has been classified as a Variant of Uncertain Significance.

NM_000432.4(MYL2):c.175G>A (p.Val59Met)

Gene: MYL2 (myosin light chain 2; minus strand). Cytogenetic location: 12q24.11.
Variant type: single nucleotide variant.
Coding change: c.175G>A on transcript NM_000432.4 (MANE Select); coding-DNA position 175, G replaced by A.
Protein change: p.Val59Met; replaces valine 59 with methionine.
Molecular consequence: missense variant.
Genome position (GRCh38, 1-based): chr12:110,914,285, C>T on the plus strand (G>A on the coding strand, the complement: MYL2 is on the minus strand). VCF-style: chr12-110914285-C-T. GRCh37 (hg19) VCF-style: chr12-111352089-C-T.
Other names: short protein forms V59M.
Identifiers: ClinVar variation 846195 (VCV000846195.1), dbSNP rs2071674789, ClinGen allele CA386698862.